The following is an entry in ClinVar:

ClinVar aggregate classification (germline): Uncertain significance. Review status: criteria provided, multiple submitters, no conflicts (2 of 4 stars). 3 submissions from 3 submitters: Uncertain significance (3). Last evaluated 2025-05-31.

Conditions:
Juvenile polyposis syndrome (JPS). Identifiers: Orphanet 2929, MedGen C0345893, MONDO:0017380, OMIM 174900.
Hereditary cancer-predisposing syndrome. Also called: Tumor predisposition; Neoplastic Syndromes, Hereditary; Hereditary Cancer Syndrome; Hereditary neoplastic syndrome. Identifiers: Orphanet 140162, MedGen C0027672, MeSH D009386, MONDO:0015356.

Allele frequency attached by ClinVar (database versions not stated): TOPMed 0.00001.

Submissions (3):

Ambry Genetics
Classification: Uncertain significance for Hereditary cancer-predisposing syndrome. Last evaluated: 2025-05-31. Review status: criteria provided, single submitter. Criteria: Ambry Variant Classification Scheme 2023. Collection method: clinical testing. Allele origin: germline.
Comment: The p.D38H variant (also known as c.112G>C), located in coding exon 2 of the BMPR1A gene, results from a G to C substitution at nucleotide position 112. The aspartic acid at codon 38 is replaced by histidine, an amino acid with similar properties. This amino acid position is conserved. In addition, the in silico prediction for this alteration is inconclusive. Based on the available evidence, the clinical significance of this variant remains unclear.

Labcorp Genetics (formerly Invitae), Labcorp
Classification: Uncertain significance for Juvenile polyposis syndrome. Last evaluated: 2025-05-21. Review status: criteria provided, single submitter. Criteria: Invitae Variant Classification Sherloc (09022015). Collection method: clinical testing. Allele origin: germline.
Comment: This sequence change replaces aspartic acid, which is acidic and polar, with histidine, which is basic and polar, at codon 38 of the BMPR1A protein (p.Asp38His). This variant is not present in population databases (gnomAD no frequency). This variant has not been reported in the literature in individuals affected with BMPR1A-related conditions. ClinVar contains an entry for this variant (Variation ID: 489682). Invitae Evidence Modeling of protein sequence and biophysical properties (such as structural, functional, and spatial information, amino acid conservation, physicochemical variation, residue mobility, and thermodynamic stability) has been performed for this missense variant. However, the output from this modeling did not meet the statistical confidence thresholds required to predict the impact of this variant on BMPR1A protein function. In summary, the available evidence is currently insufficient to determine the role of this variant in disease. Therefore, it has been classified as a Variant of Uncertain Significance.

Color Diagnostics, LLC DBA Color Health
Classification: Uncertain significance for Hereditary cancer-predisposing syndrome. Last evaluated: 2023-12-05. Review status: criteria provided, single submitter. Criteria: ACMG Guidelines, 2015. Collection method: clinical testing. Allele origin: germline.
Comment: This missense variant replaces aspartic acid with histidine at codon 38 of the BMPR1A protein. Computational prediction suggests that this variant may not impact protein structure and function (internally defined REVEL score threshold <= 0.5, PMID: 27666373). To our knowledge, functional studies have not been reported for this variant. This variant has not been reported in individuals affected with BMPR1A-related disorders in the literature. This variant has not been identified in the general population by the Genome Aggregation Database (gnomAD). The available evidence is insufficient to determine the role of this variant in disease conclusively. Therefore, this variant is classified as a Variant of Uncertain Significance.

NM_004329.3(BMPR1A):c.112G>C (p.Asp38His)

Gene: BMPR1A (bone morphogenetic protein receptor type 1A; plus strand). Cytogenetic location: 10q23.2.
Variant type: single nucleotide variant.
Coding change: c.112G>C on transcript NM_004329.3 (MANE Select); coding-DNA position 112, G replaced by C.
Protein change: p.Asp38His; replaces aspartic acid 38 with histidine.
Molecular consequence: missense variant.
Genome position (GRCh38, 1-based): chr10:86,890,106, G>C. VCF-style: chr10-86890106-G-C. GRCh37 (hg19) VCF-style: chr10-88649863-G-C.
Other names: short protein forms D38H.
Identifiers: ClinVar variation 489682 (VCV000489682.15), dbSNP rs1554888103, ClinGen allele CA377446452.